The following is an entry in ClinVar:

ClinVar aggregate classification (germline): Uncertain significance. Review status: criteria provided, multiple submitters, no conflicts (2 of 4 stars). 2 submissions from 2 submitters: Uncertain significance (2). Last evaluated 2025-08-07.

gnomAD v4.1: 68 of 1,613,856 alleles (0.0042%); highest among the groups gnomAD compares: Non-Finnish European, 0.0056%; no homozygotes.

Submissions (2):

Ambry Genetics
Classification: Uncertain significance. Last evaluated: 2025-08-07. Review status: criteria provided, single submitter. Criteria: Ambry Variant Classification Scheme 2023. Collection method: clinical testing. Allele origin: germline.

Labcorp Genetics (formerly Invitae), Labcorp
Classification: Uncertain significance. Last evaluated: 2022-07-21. Review status: criteria provided, single submitter. Criteria: Invitae Variant Classification Sherloc (09022015). Collection method: clinical testing. Allele origin: germline.
Comment: This variant has not been reported in the literature in individuals affected with AGAP1-related conditions. Algorithms developed to predict the effect of missense changes on protein structure and function (SIFT, PolyPhen-2, Align-GVGD) all suggest that this variant is likely to be tolerated. In summary, the available evidence is currently insufficient to determine the role of this variant in disease. Therefore, it has been classified as a Variant of Uncertain Significance. This variant is present in population databases (no rsID available, gnomAD 0.005%). This sequence change replaces alanine, which is neutral and non-polar, with serine, which is neutral and polar, at codon 418 of the AGAP1 protein (p.Ala418Ser).

NM_001037131.3(AGAP1):c.1252G>T (p.Ala418Ser)

Gene: AGAP1 (ArfGAP with GTPase domain, ankyrin repeat and PH domain 1; plus strand). Cytogenetic location: 2q37.2.
Variant type: single nucleotide variant.
Coding change: c.1252G>T on transcript NM_001037131.3 (MANE Select); coding-DNA position 1252, G replaced by T.
Protein change: p.Ala418Ser; replaces alanine 418 with serine.
Molecular consequence: missense variant.
Genome position (GRCh38, 1-based): chr2:235,908,834, G>T. VCF-style: chr2-235908834-G-T. GRCh37 (hg19) VCF-style: chr2-236817478-G-T.
Other names: c.1252G>T, p.Ala418Ser (NM_014914.5); c.1252G>T (NM_001037131.2); short protein forms A418S.
Identifiers: ClinVar variation 2167252 (VCV002167252.5), dbSNP rs753271398, ClinGen allele CA351183857.
Genomic context (GRCh38, chr2:235,908,834, plus strand): 5'-CTTCTGAGAACCACTGTGAAAGTCCCAGGGAAGAGGCCACCCCGAGCCACGTCAGCCTGC[G>T]CACCCATCTCCAGCCCTAAAACCAATGGCCTATCCAAGGACATGAGCAGTTTACACATCT-3'
Protein context (NP_001032208.1, residues 408-428): KRPPRATSAC[Ala418Ser]PISSPKTNGL